The following is an entry in ClinVar:

NM_003263.4(TLR1):c.2028C>T (p.Gly676=)

Gene: TLR1 (toll like receptor 1; minus strand). Cytogenetic location: 4p14.
Variant type: single nucleotide variant.
Coding change: c.2028C>T on transcript NM_003263.4 (MANE Select); coding-DNA position 2028, C replaced by T.
Protein change: p.Gly676=; no amino-acid change (glycine 676 retained).
Molecular consequence: synonymous variant.
Genome position (GRCh38, 1-based): chr4:38,796,804, G>A on the plus strand (C>T on the coding strand, the complement: TLR1 is on the minus strand). VCF-style: chr4-38796804-G-A. GRCh37 (hg19) VCF-style: chr4-38798425-G-A.
Identifiers: ClinVar variation 786815 (VCV000786815.28), dbSNP rs41311400, ClinGen allele CA2889229.

ClinVar aggregate classification (germline): Benign/Likely benign. Review status: criteria provided, multiple submitters, no conflicts (2 of 4 stars). 3 submissions from 3 submitters: Benign (2); Likely benign (1). Last evaluated 2023-05-01.

Allele frequency attached by ClinVar (database versions not stated): 1000 Genomes Project 30x 0.00390; 1000 Genomes Project 0.00419; TOPMed 0.00539; gnomAD 0.00624; ESP Exome Variant Server 0.00646; gnomAD exomes 0.00748.
gnomAD v4.1: 11,757 of 1,614,188 alleles (0.73%); highest among the groups gnomAD compares: Middle Eastern, 1.1%; 63 homozygotes.

Submissions (3):

CeGaT Center for Human Genetics Tuebingen
Classification: Likely benign. Last evaluated: 2023-05-01. Review status: criteria provided, single submitter. Criteria: CeGaT Center For Human Genetics Tuebingen Variant Classification Criteria Version 2. Collection method: clinical testing. Allele origin: germline. Affected: yes. Observed: 1 variant allele.
Comment: TLR1: BP4, BP7, BS2

Labcorp Genetics (formerly Invitae), Labcorp
Classification: Benign. Last evaluated: 2018-08-15. Review status: criteria provided, single submitter. Criteria: Invitae Variant Classification Sherloc (09022015). Collection method: clinical testing. Allele origin: germline.

Breakthrough Genomics
Classification: Benign. Review status: criteria provided, single submitter. Criteria: ACMG Guidelines, 2015. Collection method: not provided. Allele origin: germline. Inheritance: Unknown mechanism. Affected: yes.